The following is an entry in ClinVar:

ClinVar aggregate classification (germline): Likely benign. Review status: criteria provided, multiple submitters, no conflicts (2 of 4 stars). 2 submissions from 2 submitters: Likely benign (2). Last evaluated 2023-05-01.

Conditions:
Immunodeficiency 39 (IMD39). Identifiers: Orphanet 574918, MedGen C4225358, MONDO:0014597, OMIM 616345.

Allele frequency attached by ClinVar (database versions not stated): ExAC 0.00002; gnomAD 0.00005; 1000 Genomes Project 30x 0.00016; 1000 Genomes Project 0.00020.
gnomAD v4.1: 20 of 1,579,892 alleles (0.0013%); highest among the groups gnomAD compares: South Asian, 0.0069%; no homozygotes.

Submissions (2):

CeGaT Center for Human Genetics Tuebingen
Classification: Likely benign. Last evaluated: 2023-05-01. Review status: criteria provided, single submitter. Criteria: CeGaT Center For Human Genetics Tuebingen Variant Classification Criteria Version 2. Collection method: clinical testing. Allele origin: germline. Affected: yes. Observed: 1 variant allele.
Comment: IRF7: BP4, BP7

Labcorp Genetics (formerly Invitae), Labcorp
Classification: Likely benign for Immunodeficiency 39. Last evaluated: 2022-07-26. Review status: criteria provided, single submitter. Criteria: Invitae Variant Classification Sherloc (09022015). Collection method: clinical testing. Allele origin: germline.

NM_001572.5(IRF7):c.1038G>A (p.Thr346=)

Gene: IRF7 (interferon regulatory factor 7; minus strand). Cytogenetic location: 11p15.5.
Variant type: single nucleotide variant.
Coding change: c.1038G>A on transcript NM_001572.5 (MANE Select); coding-DNA position 1038, G replaced by A.
Protein change: p.Thr346=; no amino-acid change (threonine 346 retained).
Molecular consequence: synonymous variant.
Genome position (GRCh38, 1-based): chr11:613,405, C>T on the plus strand (G>A on the coding strand, the complement: IRF7 is on the minus strand). VCF-style: chr11-613405-C-T. GRCh37 (hg19) VCF-style: chr11-613405-C-T.
Other names: c.951G>A, p.Thr317= (NM_004029.4); c.1077G>A, p.Thr359= (NM_004031.4).
Identifiers: ClinVar variation 1966229 (VCV001966229.29), dbSNP rs577968811, ClinGen allele CA5783602.